The following is an entry in ClinVar:

ClinVar aggregate classification (germline): Likely benign (1 of 4 stars; one submission).

Conditions:
MAPKBP1-related disorder. Also called: MAPKBP1-related condition.

gnomAD v4.1: 127 of 1,582,988 alleles (0.008%); highest among the groups gnomAD compares: South Asian, 0.14%; 5 homozygotes.

Submission:

PreventionGenetics, part of Exact Sciences
Classification: Likely benign for MAPKBP1-related condition. Last evaluated: 2025-11-26. Review status: criteria provided, single submitter. Criteria: ACMG Guidelines, 2015. Collection method: clinical testing. Allele origin: germline.
Comment: This variant is classified as likely benign based on ACMG/AMP sequence variant interpretation guidelines (Richards et al. 2015 PMID: 25741868, with internal and published modifications).

NM_014994.3(MAPKBP1):c.4213+10G>A

Gene: MAPKBP1 (mitogen-activated protein kinase binding protein 1; plus strand). Cytogenetic location: 15q15.1.
Variant type: single nucleotide variant.
Coding change: c.4213+10G>A on transcript NM_014994.3 (MANE Select); 10 bases into the intron after coding-DNA position 4213, G replaced by A.
Molecular consequence: intron variant.
Genome position (GRCh38, 1-based): chr15:41,824,071, G>A. VCF-style: chr15-41824071-G-A. GRCh37 (hg19) VCF-style: chr15-42116269-G-A.
Other names: c.4231+10G>A (NM_001128608.2); c.3383-413G>A (NM_001265611.2).
Identifiers: ClinVar variation 4978978 (VCV004978978.1).